The following is an entry in ClinVar:

ClinVar aggregate classification (germline): Uncertain significance. Review status: criteria provided, multiple submitters, no conflicts (2 of 4 stars). 2 submissions from 2 submitters: Uncertain significance (2). Last evaluated 2024-12-05.

Conditions:
Catecholaminergic polymorphic ventricular tachycardia 1. Also called: RYR2-Related Catecholaminergic Polymorphic Ventricular Tachycardia; VENTRICULAR TACHYCARDIA, STRESS-INDUCED POLYMORPHIC 1; VENTRICULAR TACHYCARDIA, CATECHOLAMINERGIC POLYMORPHIC, 1, WITH OR WITHOUT ATRIAL DYSFUNCTION AND/OR DILATED CARDIOMYOPATHY. Identifiers: Orphanet 3286, MedGen C1631597, MONDO:0011484, OMIM 604772.
Cardiovascular phenotype. Identifiers: MedGen CN230736.

Allele frequency attached by ClinVar (database versions not stated): TOPMed below 0.00001; gnomAD 0.00001.

Submissions (2):

Labcorp Genetics (formerly Invitae), Labcorp
Classification: Uncertain significance for Catecholaminergic polymorphic ventricular tachycardia 1. Last evaluated: 2024-12-05. Review status: criteria provided, single submitter. Criteria: Invitae Variant Classification Sherloc (09022015). Collection method: clinical testing. Allele origin: germline.
Comment: This sequence change replaces tyrosine, which is neutral and polar, with cysteine, which is neutral and slightly polar, at codon 104 of the TRDN protein (p.Tyr104Cys). This variant is not present in population databases (gnomAD no frequency). This variant has not been reported in the literature in individuals affected with TRDN-related conditions. ClinVar contains an entry for this variant (Variation ID: 644783). Invitae Evidence Modeling of protein sequence and biophysical properties (such as structural, functional, and spatial information, amino acid conservation, physicochemical variation, residue mobility, and thermodynamic stability) has been performed for this missense variant. However, the output from this modeling did not meet the statistical confidence thresholds required to predict the impact of this variant on TRDN protein function. In summary, the available evidence is currently insufficient to determine the role of this variant in disease. Therefore, it has been classified as a Variant of Uncertain Significance.

Ambry Genetics
Classification: Uncertain significance for Cardiovascular phenotype. Last evaluated: 2021-05-26. Review status: criteria provided, single submitter. Criteria: Ambry Variant Classification Scheme 2023. Collection method: clinical testing. Allele origin: germline.
Comment: The p.Y104C variant (also known as c.311A>G), located in coding exon 3 of the TRDN gene, results from an A to G substitution at nucleotide position 311. The tyrosine at codon 104 is replaced by cysteine, an amino acid with highly dissimilar properties. This amino acid position is highly conserved in available vertebrate species. In addition, this alteration is predicted to be deleterious by in silico analysis. Since supporting evidence is limited at this time, the clinical significance of this alteration remains unclear.

NM_006073.4(TRDN):c.311A>G (p.Tyr104Cys)

Gene: TRDN (triadin; minus strand). Cytogenetic location: 6q22.31.
Variant type: single nucleotide variant.
Coding change: c.311A>G on transcript NM_006073.4 (MANE Select); coding-DNA position 311, A replaced by G.
Protein change: p.Tyr104Cys; replaces tyrosine 104 with cysteine.
Molecular consequence: missense variant.
Genome position (GRCh38, 1-based): chr6:123,548,534, T>C on the plus strand (A>G on the coding strand, the complement: TRDN is on the minus strand). VCF-style: chr6-123548534-T-C. GRCh37 (hg19) VCF-style: chr6-123869679-T-C.
Other names: c.311A>G, p.Tyr104Cys (NM_001251987.2, NM_001256020.2, NM_001256021.2 and 1 more transcripts); short protein forms Y104C.
Identifiers: ClinVar variation 644783 (VCV000644783.12), dbSNP rs1345111830, ClinGen allele CA365568821.